The following is an entry in ClinVar:

ClinVar aggregate classification (germline): Uncertain significance (1 of 4 stars; one submission).

Submission:

Labcorp Genetics (formerly Invitae), Labcorp
Classification: Uncertain significance. Last evaluated: 2021-08-24. Review status: criteria provided, single submitter. Criteria: Invitae Variant Classification Sherloc (09022015). Collection method: clinical testing. Allele origin: germline.
Comment: In summary, the available evidence is currently insufficient to determine the role of this variant in disease. Therefore, it has been classified as a Variant of Uncertain Significance. Variants that disrupt the consensus splice site are a relatively common cause of aberrant splicing (PMID: 17576681, 9536098). Algorithms developed to predict the effect of sequence changes on RNA splicing suggest that this variant may disrupt the consensus splice site. Experimental studies and prediction algorithms are not available or were not evaluated, and the functional significance of this variant is currently unknown. This variant has not been reported in the literature in individuals affected with GPR179-related conditions. This variant is not present in population databases (ExAC no frequency). This sequence change affects a donor splice site in intron 10 of the GPR179 gene. While this variant is not anticipated to result in nonsense mediated decay, it likely alters RNA splicing and results in a disrupted protein product.

Literature cited by the submitters: PubMed 17576681; PubMed 9536098.

NM_001004334.4(GPR179):c.2037+1G>T

Gene: GPR179 (G protein-coupled receptor 179; minus strand). Cytogenetic location: 17q12.
Variant type: single nucleotide variant.
Coding change: c.2037+1G>T on transcript NM_001004334.4 (MANE Select); the canonical splice donor site of the intron after coding-DNA position 2037, G replaced by T.
Molecular consequence: splice donor variant.
Genome position (GRCh38, 1-based): chr17:38,333,250, C>A on the plus strand (G>T on the coding strand, the complement: GPR179 is on the minus strand). VCF-style: chr17-38333250-C-A. GRCh37 (hg19) VCF-style: chr17-36489133-C-A.
Identifiers: ClinVar variation 1426544 (VCV001426544.6), dbSNP rs940046120, ClinGen allele CA398885142.